The following is an entry in ClinVar:

NM_003072.5(SMARCA4):c.2517A>G (p.Ala839=)

Gene: SMARCA4 (SWI/SNF related BAF chromatin remodeling complex subunit ATPase 4; plus strand). Cytogenetic location: 19p13.2.
Variant type: single nucleotide variant.
Coding change: c.2517A>G on transcript NM_003072.5 (MANE Select); coding-DNA position 2517, A replaced by G.
Protein change: p.Ala839=; no amino-acid change (alanine 839 retained).
Molecular consequence: synonymous variant. On other transcripts: non-coding transcript variant (1).
Genome position (GRCh38, 1-based): chr19:11,019,602, A>G. VCF-style: chr19-11019602-A-G. GRCh37 (hg19) VCF-style: chr19-11130278-A-G.
Other names: c.2517A>G, p.Ala839= (NM_001128844.3, NM_001128845.2, NM_001128846.2 and 6 more transcripts).
Identifiers: ClinVar variation 2011823 (VCV002011823.5), dbSNP rs771137096, ClinGen allele CA9204156.

ClinVar aggregate classification (germline): Benign/Likely benign. Review status: criteria provided, multiple submitters, no conflicts (2 of 4 stars). 2 submissions from 2 submitters: Benign (1); Likely benign (1). Last evaluated 2026-07-13.

Conditions:
Rhabdoid tumor predisposition syndrome 2 (RTPS2). Identifiers: Orphanet 231108, Orphanet 69077, MedGen C2750074, MONDO:0013224, OMIM 613325.

Allele frequency attached by ClinVar (database versions not stated): ExAC 0.00001; TOPMed below 0.00001.

Submissions (2):

Myriad Genetics, Inc.
Classification: Benign for Rhabdoid tumor predisposition syndrome 2. Last evaluated: 2026-07-13. Review status: criteria provided, single submitter. Criteria: Myriad Autosomal Dominant, Autosomal Recessive and X-Linked Classification Criteria (2023). Collection method: clinical testing. Allele origin: unknown.
Comment: This variant is considered benign. This variant is a silent/synonymous amino acid change and it is not expected to impact splicing.

Labcorp Genetics (formerly Invitae), Labcorp
Classification: Likely benign for Rhabdoid tumor predisposition syndrome 2. Last evaluated: 2025-10-21. Review status: criteria provided, single submitter. Criteria: Invitae Variant Classification Sherloc (09022015). Collection method: clinical testing. Allele origin: germline.